The following is an entry in ClinVar:

NM_001017995.3(SH3PXD2B):c.1447C>T (p.Pro483Ser)

Gene: SH3PXD2B (SH3 and PX domains 2B; minus strand). Cytogenetic location: 5q35.1.
Variant type: single nucleotide variant.
Coding change: c.1447C>T on transcript NM_001017995.3 (MANE Select); coding-DNA position 1447, C replaced by T.
Protein change: p.Pro483Ser; replaces proline 483 with serine.
Molecular consequence: missense variant. On other transcripts: intron variant (1).
Genome position (GRCh38, 1-based): chr5:172,339,658, G>A on the plus strand (C>T on the coding strand, the complement: SH3PXD2B is on the minus strand). VCF-style: chr5-172339658-G-A. GRCh37 (hg19) VCF-style: chr5-171766662-G-A.
Other names: c.1188+6478C>T (NM_001308175.2); short protein forms P483S.
Identifiers: ClinVar variation 1914449 (VCV001914449.3), dbSNP rs1756804136, ClinGen allele CA362147943.
Genomic context (GRCh38, chr5:172,339,658, plus strand): 5'-ACATGTCTGAAGATGCCTTCCTCAGGACATCCTTACTGCCCTTCCAGTCTTTAGACCATG[G>A]CAACCCCGAGTCCATGACACCATGCGGTGCGTCAGGCAGGGGCCGGGAGGGGCCCGTGGC-3'
Protein context (NP_001017995.1, residues 473-493): APHGVMDSGL[Pro483Ser]WSKDWKGSKD

ClinVar aggregate classification (germline): Uncertain significance (1 of 4 stars; one submission).

Allele frequency attached by ClinVar (database versions not stated): TOPMed below 0.00001.

Submission:

Labcorp Genetics (formerly Invitae), Labcorp
Classification: Uncertain significance. Last evaluated: 2022-07-04. Review status: criteria provided, single submitter. Criteria: Invitae Variant Classification Sherloc (09022015). Collection method: clinical testing. Allele origin: germline.
Comment: Algorithms developed to predict the effect of missense changes on protein structure and function output the following: SIFT: "Tolerated"; PolyPhen-2: "Benign"; Align-GVGD: "Class C0". The serine amino acid residue is found in multiple mammalian species, which suggests that this missense change does not adversely affect protein function. This variant has not been reported in the literature in individuals affected with SH3PXD2B-related conditions. This variant is not present in population databases (gnomAD no frequency). This sequence change replaces proline, which is neutral and non-polar, with serine, which is neutral and polar, at codon 483 of the SH3PXD2B protein (p.Pro483Ser). In summary, the available evidence is currently insufficient to determine the role of this variant in disease. Therefore, it has been classified as a Variant of Uncertain Significance.